The following is an entry in ClinVar:

NM_000548.5(TSC2):c.5367G>A (p.Glu1789=)

Gene: TSC2 (TSC complex subunit 2; plus strand). Cytogenetic location: 16p13.3.
Variant type: single nucleotide variant.
Coding change: c.5367G>A on transcript NM_000548.5 (MANE Select); coding-DNA position 5367, G replaced by A.
Protein change: p.Glu1789=; no amino-acid change (glutamic acid 1789 retained).
Molecular consequence: synonymous variant.
Genome position (GRCh38, 1-based): chr16:2,088,553, G>A. VCF-style: chr16-2088553-G-A. GRCh37 (hg19) VCF-style: chr16-2138554-G-A.
Other names: c.5367G>A (NM_000548.4); c.5166G>A, p.Glu1722= (NM_001077183.3); c.5298G>A, p.Glu1766= (NM_001114382.3); c.5058G>A, p.Glu1686= (NM_001318827.2); c.5022G>A, p.Glu1674= (NM_001318829.2); c.4635G>A, p.Glu1545= (NM_001318831.2); c.5199G>A, p.Glu1733= (NM_001318832.2); c.5169G>A, p.Glu1723= (NM_001363528.2); and 3 more.
Identifiers: ClinVar variation 714193 (VCV000714193.40), dbSNP rs966695764, ClinGen allele CA276760093.
Genomic context (GRCh38, chr16:2,088,553, plus strand): 5'-CCCTCCGTCCCATAGCAAAGCCCCTGCACAGACTCCAGCCGAGCCCACACCTGGCTATGA[G>A]GTGGGCCAGCGGAAGCGCCTCATCTCCTCGGTGGAGGACTTCACCGAGTTTGTGTGAGGC-3'
Protein context (NP_000539.2, residues 1779-1799): QTPAEPTPGY[Glu1789=]VGQRKRLISS

ClinVar aggregate classification (germline): Benign/Likely benign. Review status: criteria provided, multiple submitters, no conflicts (2 of 4 stars). 6 submissions from 6 submitters: Benign (1); Likely benign (4). 1 of the submissions does not count toward it. Last evaluated 2026-07-01.

Conditions:
Tuberous sclerosis syndrome (TSC). Also called: Tuberous Sclerosis Complex; Tuberous sclerosis. Identifiers: Orphanet 805, MedGen C0041341, MONDO:0001734.
TSC2-related disorder. Also called: TSC2-Related Disorders; TSC2-related condition.
Hereditary cancer-predisposing syndrome. Also called: Neoplastic Syndromes, Hereditary; Hereditary neoplastic syndrome; Hereditary Cancer Syndrome; Tumor predisposition. Identifiers: Orphanet 140162, MedGen C0027672, MeSH D009386, MONDO:0015356.
Tuberous sclerosis 2 (TSC2). Identifiers: Orphanet 805, MedGen C1860707, MONDO:0013199, OMIM 613254.

Allele frequency attached by ClinVar (database versions not stated): gnomAD 0.00001; TOPMed 0.00002.
gnomAD v4.1: 8 of 1,611,422 alleles (0.0005%); highest among the groups gnomAD compares: Non-Finnish European, 0.00059%; no homozygotes.

Submissions (6):

CeGaT Center for Human Genetics Tuebingen
Classification: Likely benign. Last evaluated: 2026-07-01. Review status: criteria provided, single submitter. Criteria: CeGaT Center For Human Genetics Tuebingen Variant Classification Criteria Version 2. Collection method: clinical testing. Allele origin: germline. Affected: yes. Observed: 2 variant alleles.
Comment: TSC2: BP4, BP7

Labcorp Genetics (formerly Invitae), Labcorp
Classification: Likely benign for Tuberous sclerosis 2. Last evaluated: 2026-01-25. Review status: criteria provided, single submitter. Criteria: Invitae Variant Classification Sherloc (09022015). Collection method: clinical testing. Allele origin: germline.

Myriad Genetics, Inc.
Classification: Benign for Tuberous sclerosis 2. Last evaluated: 2025-06-09. Review status: criteria provided, single submitter. Criteria: Myriad Autosomal Dominant, Autosomal Recessive and X-Linked Classification Criteria (2023). Collection method: clinical testing. Allele origin: unknown.
Comment: This variant is considered benign. This variant is a silent/synonymous amino acid change and it is not expected to impact splicing.

All of Us Research Program, National Institutes of Health
Classification: Likely benign for Tuberous sclerosis syndrome. Last evaluated: 2023-09-05. Review status: criteria provided, single submitter. Criteria: ACMG Guidelines, 2015. Collection method: clinical testing. Allele origin: germline. Inheritance: Autosomal dominant inheritance. Observed: 2 variant alleles, 2 heterozygotes.
Comment: This study involves interpretation of variants in research participants for the purpose of population health screening. Participant phenotype was not available at the time of variant classification. Additional details can be found in publication PMID: 35346344, PMCID: PMC8962531

Ambry Genetics
Classification: Likely benign for Hereditary cancer-predisposing syndrome. Last evaluated: 2020-05-08. Review status: criteria provided, single submitter. Criteria: Ambry Variant Classification Scheme 2023. Collection method: clinical testing. Allele origin: germline.

PreventionGenetics, part of Exact Sciences
Classification: Likely benign for TSC2-related condition. Last evaluated: 2023-10-11. Review status: no assertion criteria provided. Collection method: clinical testing. Allele origin: germline. Not counted in ClinVar's aggregate classification.
Comment: This variant is classified as likely benign based on ACMG/AMP sequence variant interpretation guidelines (Richards et al. 2015 PMID: 25741868, with internal and published modifications).